The following is an entry in ClinVar:

ClinVar aggregate classification (germline): Uncertain significance (1 of 4 stars; one submission).

gnomAD v4.1: 4 of 1,613,914 alleles (0.00025%); highest among the groups gnomAD compares: South Asian, 0.0011%; no homozygotes.

Submission:

Labcorp Genetics (formerly Invitae), Labcorp
Classification: Uncertain significance. Last evaluated: 2024-10-12. Review status: criteria provided, single submitter. Criteria: Invitae Variant Classification Sherloc (09022015). Collection method: clinical testing. Allele origin: germline.
Comment: This sequence change replaces isoleucine, which is neutral and non-polar, with valine, which is neutral and non-polar, at codon 728 of the CDH2 protein (p.Ile728Val). This variant is present in population databases (no rsID available, gnomAD 0.004%). This variant has not been reported in the literature in individuals affected with CDH2-related conditions. An algorithm developed to predict the effect of missense changes on protein structure and function (PolyPhen-2) suggests that this variant is likely to be tolerated. In summary, the available evidence is currently insufficient to determine the role of this variant in disease. Therefore, it has been classified as a Variant of Uncertain Significance.

NM_001792.5(CDH2):c.2182A>G (p.Ile728Val)

Gene: CDH2 (cadherin 2; minus strand). Cytogenetic location: 18q12.1.
Variant type: single nucleotide variant.
Coding change: c.2182A>G on transcript NM_001792.5 (MANE Select); coding-DNA position 2182, A replaced by G.
Protein change: p.Ile728Val; replaces isoleucine 728 with valine.
Molecular consequence: missense variant.
Genome position (GRCh38, 1-based): chr18:27,985,027, T>C on the plus strand (A>G on the coding strand, the complement: CDH2 is on the minus strand). VCF-style: chr18-27985027-T-C. GRCh37 (hg19) VCF-style: chr18-25564991-T-C.
Other names: c.2089A>G, p.Ile697Val (NM_001308176.2); short protein forms I728V, I697V.
Identifiers: ClinVar variation 3722772 (VCV003722772.2).
Genomic context (GRCh38, chr18:27,985,027, plus strand): 5'-AACTGAAATCTAAAAGACAATAAAAGTACTCACTAAGCAGGATGATGATGCAGAGCAGGA[T>C]GGCAATGATGGCACCGGTGCCAAGCCCCGCACCCACAATCCTGTCCACATCTGTGCAGTC-3'
Protein context (NP_001783.2, residues 718-738): AGLGTGAIIA[Ile728Val]LLCIIILLIL